The following is an entry in ClinVar:

NM_001374259.2(IL12RB2):c.2206C>T (p.His736Tyr)

Gene: IL12RB2 (interleukin 12 receptor subunit beta 2; plus strand). Cytogenetic location: 1p31.3.
Variant type: single nucleotide variant.
Coding change: c.2206C>T on transcript NM_001374259.2 (MANE Select); coding-DNA position 2206, C replaced by T.
Protein change: p.His736Tyr; replaces histidine 736 with tyrosine.
Molecular consequence: missense variant. On other transcripts: 3 prime UTR variant (3), non-coding transcript variant (2).
Genome position (GRCh38, 1-based): chr1:67,395,706, C>T. VCF-style: chr1-67395706-C-T. GRCh37 (hg19) VCF-style: chr1-67861389-C-T.
Other names: c.*126C>T (NM_001258214.1, NM_001319233.1); c.1948C>T, p.His650Tyr (NM_001258215.1); c.*107C>T (NM_001258216.1); c.2206C>T, p.His736Tyr (NM_001559.3); c.2206C>T (NM_001559.2); short protein forms H650Y, H736Y.
Identifiers: ClinVar variation 2912134 (VCV002912134.4), dbSNP rs775855535, ClinGen allele CA900689.

ClinVar aggregate classification (germline): Uncertain significance. Review status: criteria provided, multiple submitters, no conflicts (2 of 4 stars). 2 submissions from 2 submitters: Uncertain significance (2). Last evaluated 2025-11-06.

Allele frequency attached by ClinVar (database versions not stated): gnomAD 0.00001; gnomAD exomes 0.00001; ExAC 0.00003; TOPMed 0.00004.
gnomAD v4.1: 22 of 1,614,064 alleles (0.0014%); highest among the groups gnomAD compares: Middle Eastern, 0.033%; no homozygotes.

Submissions (2):

Labcorp Genetics (formerly Invitae), Labcorp
Classification: Uncertain significance. Last evaluated: 2025-11-06. Review status: criteria provided, single submitter. Criteria: Invitae Variant Classification Sherloc (09022015). Collection method: clinical testing. Allele origin: germline.
Comment: This sequence change replaces histidine, which is basic and polar, with tyrosine, which is neutral and polar, at codon 736 of the IL12RB2 protein (p.His736Tyr). This variant is present in population databases (rs775855535, gnomAD 0.01%). This variant has not been reported in the literature in individuals affected with IL12RB2-related conditions. ClinVar contains an entry for this variant (Variation ID: 2912134). An algorithm developed to predict the effect of missense changes on protein structure and function outputs the following: PolyPhen-2: "Benign". The tyrosine amino acid residue is found in multiple mammalian species, which suggests that this missense change does not adversely affect protein function. In summary, the available evidence is currently insufficient to determine the role of this variant in disease. Therefore, it has been classified as a Variant of Uncertain Significance.

Ambry Genetics
Classification: Uncertain significance. Last evaluated: 2025-05-15. Review status: criteria provided, single submitter. Criteria: Ambry Variant Classification Scheme 2023. Collection method: clinical testing. Allele origin: germline.